The following is an entry in ClinVar:

NM_001369369.1(FOXN1):c.575G>A (p.Gly192Asp)

Gene: FOXN1 (forkhead box N1; plus strand). Cytogenetic location: 17q11.2.
Variant type: single nucleotide variant.
Coding change: c.575G>A on transcript NM_001369369.1 (MANE Select); coding-DNA position 575, G replaced by A.
Protein change: p.Gly192Asp; replaces glycine 192 with aspartic acid.
Molecular consequence: missense variant.
Genome position (GRCh38, 1-based): chr17:28,524,954, G>A. VCF-style: chr17-28524954-G-A. GRCh37 (hg19) VCF-style: chr17-26851972-G-A.
Other names: c.575G>A, p.Gly192Asp (NM_003593.3); short protein forms G192D.
Identifiers: ClinVar variation 3344264 (VCV003344264.2).

ClinVar aggregate classification (germline): Uncertain significance. Review status: criteria provided, single submitter (1 of 4 stars). 2 submissions from 2 submitters: Uncertain significance (1). 1 of the submissions does not count toward it. Last evaluated 2025-12-11.

Conditions:
FOXN1-related disorder. Also called: FOXN1-related condition.
Inborn genetic diseases. Identifiers: MedGen C0950123, MeSH D030342.

Submissions (2):

Ambry Genetics
Classification: Uncertain significance for Inborn genetic diseases. Last evaluated: 2025-12-11. Review status: criteria provided, single submitter. Criteria: Ambry Variant Classification Scheme 2023. Collection method: clinical testing. Allele origin: germline.

PreventionGenetics, part of Exact Sciences
Classification: Uncertain significance for FOXN1-related condition. Last evaluated: 2024-04-17. Review status: no assertion criteria provided. Collection method: clinical testing. Allele origin: germline. Not counted in ClinVar's aggregate classification.
Comment: The FOXN1 c.575G>A variant is predicted to result in the amino acid substitution p.Gly192Asp. To our knowledge, this variant has not been reported in the literature or in a large population database, indicating this variant is rare. At this time, the clinical significance of this variant is uncertain due to the absence of conclusive functional and genetic evidence.